The following is an entry in ClinVar:

ClinVar aggregate classification (germline): Uncertain significance (1 of 4 stars; one submission).

Submission:

GeneDx
Classification: Uncertain significance. Last evaluated: 2023-03-20. Review status: criteria provided, single submitter. Criteria: GeneDx Variant Classification Process June 2021. Collection method: clinical testing. Allele origin: germline. Affected: yes.
Comment: Not observed at significant frequency in large population cohorts (gnomAD); In-frame deletion of 1 amino acid in a non-repeat region; In silico analysis supports a deleterious effect on protein structure/function; Has not been previously published as pathogenic or benign to our knowledge

NM_001145358.2(SIN3A):c.3082AAT[2] (p.Asn1030del)

Gene: SIN3A (SIN3 transcription regulator family member A; minus strand). Cytogenetic location: 15q24.2.
Variant type: Microsatellite.
Coding change: c.3082AAT[2] on transcript NM_001145358.2 (MANE Select); two copies in a row of the 3-base unit AAT starting at c.3082; the reference has three copies in a row; one copy, 3 bases deleted.
Protein change: p.Asn1030del; deletes asparagine 1030.
Molecular consequence: inframe deletion.
Genome position (GRCh38, 1-based): chr15:75,384,369-75,384,371, ATT deleted on the plus strand (AAT on the coding strand, the reverse complement: SIN3A is on the minus strand); deleting any 3 consecutive bases within chr15:75,384,369-75,384,377 gives the same sequence; the position shown is the placement nearest the transcript's 3' end. VCF-style (leftmost placement, unchanged base first): chr15-75384368-CATT-C. GRCh37 (hg19) VCF-style: chr15-75676709-CATT-C.
Other names: c.3082AAT[2], p.Asn1030del (NM_001145357.2, NM_015477.3); short protein forms N1030del.
Identifiers: ClinVar variation 2580391 (VCV002580391.1), dbSNP rs2543034981, ClinGen allele CA2575793969.